The following is an entry in ClinVar:

ClinVar aggregate classification (germline): Uncertain significance (1 of 4 stars; one submission).

Submission:

Labcorp Genetics (formerly Invitae), Labcorp
Classification: Uncertain significance. Last evaluated: 2022-10-20. Review status: criteria provided, single submitter. Criteria: Invitae Variant Classification Sherloc (09022015). Collection method: clinical testing. Allele origin: germline.
Comment: This sequence change replaces serine, which is neutral and polar, with proline, which is neutral and non-polar, at codon 615 of the CTNNA1 protein (p.Ser615Pro). This variant is not present in population databases (gnomAD no frequency). This variant has not been reported in the literature in individuals affected with CTNNA1-related conditions. Advanced modeling of protein sequence and biophysical properties (such as structural, functional, and spatial information, amino acid conservation, physicochemical variation, residue mobility, and thermodynamic stability) has been performed at Invitae for this missense variant, however the output from this modeling did not meet the statistical confidence thresholds required to predict the impact of this variant on CTNNA1 protein function. In summary, the available evidence is currently insufficient to determine the role of this variant in disease. Therefore, it has been classified as a Variant of Uncertain Significance.

NM_001903.5(CTNNA1):c.1843T>C (p.Ser615Pro)

Gene: CTNNA1 (catenin alpha 1; plus strand). Cytogenetic location: 5q31.2.
Variant type: single nucleotide variant.
Coding change: c.1843T>C on transcript NM_001903.5 (MANE Select); coding-DNA position 1843, T replaced by C.
Protein change: p.Ser615Pro; replaces serine 615 with proline.
Molecular consequence: missense variant.
Genome position (GRCh38, 1-based): chr5:138,925,351, T>C. VCF-style: chr5-138925351-T-C. GRCh37 (hg19) VCF-style: chr5-138261040-T-C.
Other names: c.1843T>C, p.Ser615Pro (NM_001290307.3, NM_001323982.2, NM_001323983.1 and 2 more transcripts); c.1534T>C, p.Ser512Pro (NM_001290309.3); c.1474T>C, p.Ser492Pro (NM_001290310.3); c.733T>C, p.Ser245Pro (NM_001290312.1, NM_001323987.1, NM_001323988.1 and 17 more transcripts); c.1750T>C, p.Ser584Pro (NM_001323986.2); c.490T>C, p.Ser164Pro (NM_001324013.1, NM_001324012.1); c.394T>C, p.Ser132Pro (NM_001324006.1, NM_001324007.1, NM_001324008.1 and 2 more transcripts); c.640T>C, p.Ser214Pro (NM_001324011.1); short protein forms S132P, S164P, S214P, S245P, S492P, S512P, S584P, S615P.
Identifiers: ClinVar variation 1721939 (VCV001721939.5), dbSNP rs2533735623, ClinGen allele CA361132330.